The following is an entry in ClinVar:

NM_005228.5(EGFR):c.2723T>C (p.Met908Thr)

Gene: EGFR (epidermal growth factor receptor; plus strand). Cytogenetic location: 7p11.2.
Variant type: single nucleotide variant.
Coding change: c.2723T>C on transcript NM_005228.5 (MANE Select); coding-DNA position 2723, T replaced by C.
Protein change: p.Met908Thr; replaces methionine 908 with threonine.
Molecular consequence: missense variant.
Genome position (GRCh38, 1-based): chr7:55,198,738, T>C. VCF-style: chr7-55198738-T-C. GRCh37 (hg19) VCF-style: chr7-55266431-T-C.
Other names: c.2588T>C, p.Met863Thr (NM_001346897.2, NM_001346899.2); c.2723T>C, p.Met908Thr (NM_001346898.2); c.2564T>C, p.Met855Thr (NM_001346900.2); c.1922T>C, p.Met641Thr (NM_001346941.2); short protein forms M855T, M863T, M908T, M641T.
Identifiers: ClinVar variation 956644 (VCV000956644.10), dbSNP rs1431327306, ClinGen allele CA367581215.

ClinVar aggregate classification (germline): Uncertain significance. Review status: criteria provided, multiple submitters, no conflicts (2 of 4 stars). 2 submissions from 2 submitters: Uncertain significance (2). Last evaluated 2025-12-28.

Conditions:
Hereditary cancer-predisposing syndrome. Also called: Hereditary neoplastic syndrome; Tumor predisposition; Neoplastic Syndromes, Hereditary; Hereditary Cancer Syndrome. Identifiers: Orphanet 140162, MedGen C0027672, MeSH D009386, MONDO:0015356.
EGFR-related lung cancer (EGFR). Identifiers: MedGen CN130014.

Allele frequency attached by ClinVar (database versions not stated): gnomAD exomes 0.00004 and 0.00009; TOPMed 0.00015; gnomAD 0.00022 and 0.00023.
gnomAD v4.1: 54 of 1,614,112 alleles (0.0033%); highest among the groups gnomAD compares: Admixed American, 0.09%; 1 homozygote.

Submissions (2):

Labcorp Genetics (formerly Invitae), Labcorp
Classification: Uncertain significance for EGFR-related lung cancer. Last evaluated: 2025-12-28. Review status: criteria provided, single submitter. Criteria: Invitae Variant Classification Sherloc (09022015). Collection method: clinical testing. Allele origin: germline.
Comment: This sequence change replaces methionine, which is neutral and non-polar, with threonine, which is neutral and polar, at codon 908 of the EGFR protein (p.Met908Thr). This variant is present in population databases (no rsID available, gnomAD 0.07%), including at least one homozygous and/or hemizygous individual. This variant has not been reported in the literature in individuals affected with EGFR-related conditions. ClinVar contains an entry for this variant (Variation ID: 956644). Invitae Evidence Modeling of protein sequence and biophysical properties (such as structural, functional, and spatial information, amino acid conservation, physicochemical variation, residue mobility, and thermodynamic stability) indicates that this missense variant is expected to disrupt EGFR protein function with a positive predictive value of 80%. In summary, the available evidence is currently insufficient to determine the role of this variant in disease. Therefore, it has been classified as a Variant of Uncertain Significance.

Ambry Genetics
Classification: Uncertain significance for Hereditary cancer-predisposing syndrome. Last evaluated: 2024-10-28. Review status: criteria provided, single submitter. Criteria: Ambry Variant Classification Scheme 2023. Collection method: clinical testing. Allele origin: germline.
Comment: The p.M908T variant (also known as c.2723T>C), located in coding exon 23 of the EGFR gene, results from a T to C substitution at nucleotide position 2723. The methionine at codon 908 is replaced by threonine, an amino acid with similar properties. This amino acid position is highly conserved in available vertebrate species. In addition, this alteration is predicted to be deleterious by in silico analysis. Based on the available evidence, the clinical significance of this variant remains unclear.